The following is an entry in ClinVar:

NM_001972.4(ELANE):c.628G>A (p.Gly210Arg)

Gene: ELANE (elastase, neutrophil expressed; plus strand). Cytogenetic location: 19p13.3.
Variant type: single nucleotide variant.
Coding change: c.628G>A on transcript NM_001972.4 (MANE Select); coding-DNA position 628, G replaced by A.
Protein change: p.Gly210Arg; replaces glycine 210 with arginine.
Molecular consequence: missense variant.
Genome position (GRCh38, 1-based): chr19:855,988, G>A. VCF-style: chr19-855988-G-A. GRCh37 (hg19) VCF-style: chr19-855988-G-A.
Other names: c.628G>A (LRG_57t1); short protein forms G210R.
Identifiers: ClinVar variation 265119 (VCV000265119.6), dbSNP rs140880838, ClinGen allele CA9026123.

ClinVar aggregate classification (germline): Conflicting classifications of pathogenicity. Review status: criteria provided, conflicting classifications (1 of 4 stars). 3 submissions from 3 submitters: Pathogenic (1); Uncertain significance (2). Last evaluated 2025-06-10.

Conditions:
Neutropenia, severe congenital, 1, autosomal dominant. Identifiers: MedGen C1859966, MONDO:0042490, OMIM 202700.
Cyclical neutropenia. Also called: Cyclic hematopoiesis; Cyclic Neutropenia. Identifiers: Orphanet 2686, MedGen C0221023, MONDO:0008090, OMIM 162800, HP:0040289. Disease mechanism: loss of function.

Allele frequency attached by ClinVar (database versions not stated): gnomAD 0.00001; gnomAD exomes 0.00002; ExAC 0.00003; TOPMed 0.00003; ESP Exome Variant Server 0.00023.
gnomAD v4.1: 14 of 1,613,262 alleles (0.00087%); highest among the groups gnomAD compares: African/African-American, 0.004%; no homozygotes.

Submissions (3):

Labcorp Genetics (formerly Invitae), Labcorp
Classification: Uncertain significance for Neutropenia, severe congenital, 1, autosomal dominant; Cyclical neutropenia. Last evaluated: 2025-06-10. Review status: criteria provided, single submitter. Criteria: Invitae Variant Classification Sherloc (09022015). Collection method: clinical testing. Allele origin: germline.
Comment: This sequence change replaces glycine, which is neutral and non-polar, with arginine, which is basic and polar, at codon 210 of the ELANE protein (p.Gly210Arg). This variant is present in population databases (rs140880838, gnomAD 0.02%). This missense change has been observed in individual(s) with ELANE-related conditions (PMID: 28881492). ClinVar contains an entry for this variant (Variation ID: 265119). An algorithm developed to predict the effect of missense changes on protein structure and function outputs the following: PolyPhen-2: "Probably Damaging". The arginine amino acid residue is found in multiple mammalian species, which suggests that this missense change does not adversely affect protein function. This variant disrupts the p.Gly210 amino acid residue in ELANE. Other variant(s) that disrupt this residue have been observed in individuals with ELANE-related conditions (PMID: 11001877, 19775295), which suggests that this may be a clinically significant amino acid residue. In summary, the available evidence is currently insufficient to determine the role of this variant in disease. Therefore, it has been classified as a Variant of Uncertain Significance.

Blueprint Genetics
Classification: Uncertain significance. Last evaluated: 2021-09-09. Review status: criteria provided, single submitter. Criteria: ACMG Guidelines, 2015. Collection method: clinical testing. Allele origin: germline.

GeneDx
Classification: Pathogenic. Last evaluated: 2014-04-08. Review status: criteria provided, single submitter. Criteria: GeneDx Variant Classification (06012015). Collection method: clinical testing. Allele origin: germline. Affected: yes.
Comment: To our knowledge, the G210R substitution has not been published as a mutation, nor has it been reported as a benign polymorphism. The G210R mutation was not observed at any significant frequency in approximately 6,500 individuals of European and African American ancestry in the NHLBI Exome Sequencing Project. G210R is a non-conservative amino acid substitution, which is likely to impact secondary protein structure as these residues differ in polarity, charge, size and/or other properties. This substitution occurs at a position within the peptidase S1 domain that is moderately conserved across species. In silico analysis is inconsistent in its predictions as to whether or not this substitution is damaging to the protein structure/function. Missense mutations in the same residue (G210V, G210W) have been reported in the Human Gene Mutation Database in association with congenital neutropenia (Stenson et al., 2009), supporting the functional importance of this region of the protein. Therefore, we consider G210R a mutation and its presence consistent with a diagnosis of ELANE-related neutropenia.

Literature cited by the submitters: PubMed 28881492 (cited by Labcorp Genetics (formerly Invitae), Labcorp); PubMed 11001877 (cited by Labcorp Genetics (formerly Invitae), Labcorp); PubMed 19775295 (cited by Labcorp Genetics (formerly Invitae), Labcorp).